The following is an entry in ClinVar:

ClinVar aggregate classification (germline): Uncertain significance (1 of 4 stars; one submission).

gnomAD v4.1: 8 of 1,613,818 alleles (0.0005%); highest among the groups gnomAD compares: Admixed American, 0.005%; no homozygotes.

Submission:

Labcorp Genetics (formerly Invitae), Labcorp
Classification: Uncertain significance. Last evaluated: 2024-10-24. Review status: criteria provided, single submitter. Criteria: Invitae Variant Classification Sherloc (09022015). Collection method: clinical testing. Allele origin: germline.
Comment: This sequence change replaces threonine, which is neutral and polar, with serine, which is neutral and polar, at codon 151 of the STN1 protein (p.Thr151Ser). This variant is present in population databases (no rsID available, gnomAD 0.003%). This variant has not been reported in the literature in individuals affected with STN1-related conditions. ClinVar contains an entry for this variant (Variation ID: 1505571). Invitae Evidence Modeling of protein sequence and biophysical properties (such as structural, functional, and spatial information, amino acid conservation, physicochemical variation, residue mobility, and thermodynamic stability) indicates that this missense variant is not expected to disrupt STN1 protein function with a negative predictive value of 80%. In summary, the available evidence is currently insufficient to determine the role of this variant in disease. Therefore, it has been classified as a Variant of Uncertain Significance.

NM_024928.5(STN1):c.451A>T (p.Thr151Ser)

Gene: STN1 (STN1 subunit of CST complex; minus strand). Cytogenetic location: 10q24.33.
Variant type: single nucleotide variant.
Coding change: c.451A>T on transcript NM_024928.5 (MANE Select); coding-DNA position 451, A replaced by T.
Protein change: p.Thr151Ser; replaces threonine 151 with serine.
Molecular consequence: missense variant.
Genome position (GRCh38, 1-based): chr10:103,900,068, T>A on the plus strand (A>T on the coding strand, the complement: STN1 is on the minus strand). VCF-style: chr10-103900068-T-A. GRCh37 (hg19) VCF-style: chr10-105659826-T-A.
Other names: short protein forms T151S.
Identifiers: ClinVar variation 1505571 (VCV001505571.4), dbSNP rs2487999, ClinGen allele CA378047225.